The following is an entry in ClinVar:

NM_001111.5(ADAR):c.59A>G (p.Tyr20Cys)

Gene: ADAR (adenosine deaminase RNA specific; minus strand). Cytogenetic location: 1q21.3.
Variant type: single nucleotide variant.
Coding change: c.59A>G on transcript NM_001111.5 (MANE Select); coding-DNA position 59, A replaced by G.
Protein change: p.Tyr20Cys; replaces tyrosine 20 with cysteine.
Molecular consequence: missense variant. On other transcripts: 5 prime UTR variant (6).
Genome position (GRCh38, 1-based): chr1:154,602,583, T>C on the plus strand (A>G on the coding strand, the complement: ADAR is on the minus strand). VCF-style: chr1-154602583-T-C. GRCh37 (hg19) VCF-style: chr1-154575059-T-C.
Other names: c.-827A>G (NM_001025107.3, NM_001193495.2, NM_001365048.1); c.86A>G, p.Tyr29Cys (NM_001365045.1); c.-691A>G (NM_001365046.1, NM_001365047.1, NM_001365049.1); c.59A>G, p.Tyr20Cys (NM_015840.4, NM_015841.4); short protein forms Y20C, Y29C.
Identifiers: ClinVar variation 1367708 (VCV001367708.6), dbSNP rs754158375, ClinGen allele CA1131769.

ClinVar aggregate classification (germline): Uncertain significance (1 of 4 stars; one submission).

Conditions:
Symmetrical dyschromatosis of extremities (DSH). Also called: RETICULATE ACROPIGMENTATION OF DOHI; SYMMETRIC DYSCHROMATOSIS OF THE EXTREMITIES; DYSCHROMATOSIS SYMMETRICA HEREDITARIA 1; Dyschromatosis symmetrica hereditaria. Identifiers: Orphanet 41, MedGen C0406775, MONDO:0007483, OMIM 127400.
Aicardi-Goutieres syndrome 6 (AGS6). Identifiers: Orphanet 51, MedGen C3539013, MONDO:0014007, OMIM 615010.

Allele frequency attached by ClinVar (database versions not stated): ExAC 0.00001; gnomAD exomes 0.00001; gnomAD 0.00002; TOPMed 0.00003.

Submission:

Labcorp Genetics (formerly Invitae), Labcorp
Classification: Uncertain significance for Aicardi-Goutieres syndrome 6; Symmetrical dyschromatosis of extremities. Last evaluated: 2025-03-24. Review status: criteria provided, single submitter. Criteria: Invitae Variant Classification Sherloc (09022015). Collection method: clinical testing. Allele origin: germline.
Comment: This sequence change replaces tyrosine, which is neutral and polar, with cysteine, which is neutral and slightly polar, at codon 20 of the ADAR protein (p.Tyr20Cys). This variant is present in population databases (rs754158375, gnomAD 0.005%). This variant has not been reported in the literature in individuals affected with ADAR-related conditions. ClinVar contains an entry for this variant (Variation ID: 1367708). An algorithm developed to predict the effect of missense changes on protein structure and function outputs the following: PolyPhen-2: "Probably Damaging". The cysteine amino acid residue is found in multiple mammalian species, which suggests that this missense change does not adversely affect protein function. In summary, the available evidence is currently insufficient to determine the role of this variant in disease. Therefore, it has been classified as a Variant of Uncertain Significance.